The following is an entry in ClinVar:

ClinVar aggregate classification (germline): Uncertain significance (1 of 4 stars; one submission).

Conditions:
Gastrointestinal stromal tumor. Also called: Gastrointestinal stromal tumor, somatic; Gastrointestinal stroma tumor. Identifiers: Orphanet 44890, MedGen C0238198, MeSH D046152, MONDO:0011719, OMIM 606764, HP:0100723.

Submission:

Labcorp Genetics (formerly Invitae), Labcorp
Classification: Uncertain significance for Gastrointestinal stromal tumor. Last evaluated: 2024-11-21. Review status: criteria provided, single submitter. Criteria: Invitae Variant Classification Sherloc (09022015). Collection method: clinical testing. Allele origin: germline.
Comment: This sequence change replaces asparagine, which is neutral and polar, with threonine, which is neutral and polar, at codon 1038 of the PDGFRA protein (p.Asn1038Thr). This variant is not present in population databases (gnomAD no frequency). This variant has not been reported in the literature in individuals affected with PDGFRA-related conditions. Invitae Evidence Modeling of protein sequence and biophysical properties (such as structural, functional, and spatial information, amino acid conservation, physicochemical variation, residue mobility, and thermodynamic stability) indicates that this missense variant is not expected to disrupt PDGFRA protein function with a negative predictive value of 80%. In summary, the available evidence is currently insufficient to determine the role of this variant in disease. Therefore, it has been classified as a Variant of Uncertain Significance.

NM_006206.6(PDGFRA):c.3113A>C (p.Asn1038Thr)

Gene: PDGFRA (platelet derived growth factor receptor alpha; plus strand). Cytogenetic location: 4q12.
Variant type: single nucleotide variant.
Coding change: c.3113A>C on transcript NM_006206.6 (MANE Select); coding-DNA position 3113, A replaced by C.
Protein change: p.Asn1038Thr; replaces asparagine 1038 with threonine.
Molecular consequence: missense variant.
Genome position (GRCh38, 1-based): chr4:54,290,545, A>C. VCF-style: chr4-54290545-A-C. GRCh37 (hg19) VCF-style: chr4-55156712-A-C.
Other names: c.3188A>C, p.Asn1063Thr (NM_001347828.2); c.3113A>C, p.Asn1038Thr (NM_001347829.2); c.3152A>C, p.Asn1051Thr (NM_001347830.2); short protein forms N1051T, N1063T, N1038T.
Identifiers: ClinVar variation 3709364 (VCV003709364.2).
Genomic context (GRCh38, chr4:54,290,545, plus strand): 5'-ACATCATTCCTCTGCCTGACATTGACCCTGTCCCTGAGGAGGAGGACCTGGGCAAGAGGA[A>C]CAGACACAGGTAGCTGTGGGGGCAGCCTCGGTGTCTCACCTTTCCCCTCCCCTATAGGCC-3'
Protein context (NP_006197.1, residues 1028-1048): VPEEEDLGKR[Asn1038Thr]RHSSQTSEES